The following is an entry in ClinVar:

NM_000051.4(ATM):c.1301C>T (p.Pro434Leu)

Gene: ATM (ATM serine/threonine kinase; plus strand). Cytogenetic location: 11q22.3.
Variant type: single nucleotide variant.
Coding change: c.1301C>T on transcript NM_000051.4 (MANE Select); coding-DNA position 1301, C replaced by T.
Protein change: p.Pro434Leu; replaces proline 434 with leucine.
Molecular consequence: missense variant.
Genome position (GRCh38, 1-based): chr11:108,250,766, C>T. VCF-style: chr11-108250766-C-T. GRCh37 (hg19) VCF-style: chr11-108121493-C-T.
Other names: c.1301C>T, p.Pro434Leu (NM_001351834.2); short protein forms P434L.
Identifiers: ClinVar variation 1001777 (VCV001001777.8), dbSNP rs2080093920, ClinGen allele CA382533594.
Genomic context (GRCh38, chr11:108,250,766, plus strand): 5'-AGATTGCAACCCAATTAATATCAAAGTATCCTGCAAGTTTACCTAACTGTGAGCTGTCTC[C>T]ATTACTGATGATACTATCTCAGCTTCTACCCCAACAGCGACATGGGGAACGTACACCATA-3'
Protein context (NP_000042.3, residues 424-444): PASLPNCELS[Pro434Leu]LLMILSQLLP

ClinVar aggregate classification (germline): Uncertain significance (1 of 4 stars; one submission).

Conditions:
Ataxia-telangiectasia syndrome (AT). Also called: Ataxia-telangiectasia, complementation group D; AT, COMPLEMENTATION GROUP C; ATAXIA-TELANGIECTASIA, COMPLEMENTATION GROUP A; ATAXIA-TELANGIECTASIA, FRESNO VARIANT; Ataxia-telangiectasia; Cerebello-oculocutaneous telangiectasia. Identifiers: Orphanet 100, MedGen C0004135, MONDO:0008840, OMIM 208900.

Submission:

Labcorp Genetics (formerly Invitae), Labcorp
Classification: Uncertain significance for Ataxia-telangiectasia syndrome. Last evaluated: 2022-09-19. Review status: criteria provided, single submitter. Criteria: Invitae Variant Classification Sherloc (09022015). Collection method: clinical testing. Allele origin: germline.
Comment: In summary, the available evidence is currently insufficient to determine the role of this variant in disease. Therefore, it has been classified as a Variant of Uncertain Significance. Algorithms developed to predict the effect of missense changes on protein structure and function (SIFT, PolyPhen-2, Align-GVGD) all suggest that this variant is likely to be tolerated. ClinVar contains an entry for this variant (Variation ID: 1001777). This variant has not been reported in the literature in individuals affected with ATM-related conditions. This variant is not present in population databases (gnomAD no frequency). This sequence change replaces proline, which is neutral and non-polar, with leucine, which is neutral and non-polar, at codon 434 of the ATM protein (p.Pro434Leu).